The following is an entry in ClinVar:

ClinVar aggregate classification (germline): Conflicting classifications of pathogenicity. Review status: criteria provided, conflicting classifications (1 of 4 stars). 12 submissions from 8 submitters: Uncertain significance (1); Benign (7); Likely benign (4). Last evaluated 2026-09-01.

Conditions:
Hypokalemic periodic paralysis, type 2 (HOKPP2). Identifiers: Orphanet 681, MedGen C2750061, MONDO:0013234, OMIM 613345.
Congenital myasthenic syndrome 16. Identifiers: Orphanet 590, MedGen C3280112, MONDO:0013620, OMIM 614198.
Paramyotonia congenita of Von Eulenburg. Also called: Paramyotonia Congenita; Eulenburg disease; Myotonia congenita intermittens; Von Eulenburg paramyotonia congenita; PARALYSIS PERIODICA PARAMYOTONICA. Identifiers: Orphanet 684, MedGen C0221055, MONDO:0008195, OMIM 168300. Disease mechanism: loss of function.
Potassium-aggravated myotonia. Also called: SODIUM CHANNEL MUSCLE DISEASE; MYOTONIA CONGENITA, ACETAZOLAMIDE-RESPONSIVE; MYOTONIA CONGENITA, ATYPICAL; Myotonia congenita, atypical, acetazolamide-responsive. Identifiers: Orphanet 612, Orphanet 99734, Orphanet 99735, Orphanet 99736, MedGen C2931826, MONDO:0018959, OMIM 608390.
Hyperkalemic periodic paralysis. Also called: Familial hyperkalemic periodic paralysis; Gamstorp disease. Identifiers: Orphanet 682, MedGen C0238357, MONDO:0008224, OMIM 170500, HP:0007215.

Allele frequency attached by ClinVar (database versions not stated): gnomAD exomes 0.00134; 1000 Genomes Project 30x 0.00141; ExAC 0.00119; 1000 Genomes Project 0.00140; TOPMed 0.00149; ESP Exome Variant Server 0.00215; gnomAD 0.00153.

Submissions (12):

CeGaT Center for Human Genetics Tuebingen
Classification: Likely benign. Last evaluated: 2026-09-01. Review status: criteria provided, single submitter. Criteria: CeGaT Center For Human Genetics Tuebingen Variant Classification Criteria Version 2. Collection method: clinical testing. Allele origin: germline. Affected: yes. Observed: 12 variant alleles.
Comment: SCN4A: BP4, BP7

Labcorp Genetics (formerly Invitae), Labcorp
Classification: Benign for Hyperkalemic periodic paralysis. Last evaluated: 2026-01-20. Review status: criteria provided, single submitter. Criteria: Invitae Variant Classification Sherloc (09022015). Collection method: clinical testing. Allele origin: germline.

Women's Health and Genetics/Laboratory Corporation of America, LabCorp
Classification: Benign. Last evaluated: 2025-12-23. Review status: criteria provided, single submitter. Criteria: LabCorp Variant Classification Summary - May 2015. Collection method: clinical testing. Allele origin: germline.

Blueprint Genetics
Classification: Likely benign. Last evaluated: 2024-11-22. Review status: criteria provided, single submitter. Criteria: ACMG Guidelines, 2015. Collection method: clinical testing. Allele origin: germline.

GeneDx
Classification: Likely benign. Last evaluated: 2020-09-11. Review status: criteria provided, single submitter. Criteria: GeneDx Variant Classification Process June 2021. Collection method: clinical testing. Allele origin: germline. Affected: yes.

Athena Diagnostics
Classification: Benign. Last evaluated: 2018-03-29. Review status: criteria provided, single submitter. Criteria: Athena Diagnostics Criteria. Collection method: clinical testing. Allele origin: germline.

Illumina Laboratory Services, Illumina
Classification: Benign for Hypokalemic periodic paralysis, type 2. Last evaluated: 2018-01-12. Review status: criteria provided, single submitter. Criteria: ICSL Variant Classification Criteria 13 December 2019. Collection method: clinical testing. Allele origin: germline.
Comment: This variant was observed in the ICSL laboratory as part of a predisposition screen in an ostensibly healthy population. It had not been previously curated by ICSL or reported in the Human Gene Mutation Database (HGMD: prior to June 1st, 2018), and was therefore a candidate for classification through an automated scoring system. Utilizing variant allele frequency, disease prevalence and penetrance estimates, and inheritance mode, an automated score was calculated to assess if this variant is too frequent to cause the disease. Based on the score and internal cut-off values, a variant classified as benign is not then subjected to further curation. The score for this variant resulted in a classification of benign for this disease.

Illumina Laboratory Services, Illumina
Classification: Benign for Potassium-aggravated myotonia. Last evaluated: 2018-01-12. Review status: criteria provided, single submitter. Criteria: ICSL Variant Classification Criteria 13 December 2019. Collection method: clinical testing. Allele origin: germline.
Comment: the same text as in the submission from Illumina Laboratory Services, Illumina above.

Illumina Laboratory Services, Illumina
Classification: Benign for Paramyotonia congenita of Von Eulenburg. Last evaluated: 2018-01-12. Review status: criteria provided, single submitter. Criteria: ICSL Variant Classification Criteria 13 December 2019. Collection method: clinical testing. Allele origin: germline.
Comment: the same text as in the submission from Illumina Laboratory Services, Illumina above.

Illumina Laboratory Services, Illumina
Classification: Benign for Hyperkalemic periodic paralysis. Last evaluated: 2018-01-12. Review status: criteria provided, single submitter. Criteria: ICSL Variant Classification Criteria 13 December 2019. Collection method: clinical testing. Allele origin: germline.
Comment: the same text as in the submission from Illumina Laboratory Services, Illumina above.

Illumina Laboratory Services, Illumina
Classification: Uncertain significance for Congenital myasthenic syndrome 16. Last evaluated: 2018-01-12. Review status: criteria provided, single submitter. Criteria: ICSL Variant Classification Criteria 13 December 2019. Collection method: clinical testing. Allele origin: germline.

PreventionGenetics, part of Exact Sciences
Classification: Likely benign. Review status: criteria provided, single submitter. Criteria: ACMG Guidelines, 2015. Collection method: clinical testing. Allele origin: germline.

NM_000334.4(SCN4A):c.4215C>T (p.Leu1405=)

Genes: GH-LCR (growth hormone locus control region; plus strand), SCN4A (sodium voltage-gated channel alpha subunit 4; minus strand). Cytogenetic location: 17q23.3.
Variant type: single nucleotide variant.
Coding change: c.4215C>T on transcript NM_000334.4 (MANE Select); coding-DNA position 4215, C replaced by T.
Protein change: p.Leu1405=; no amino-acid change (leucine 1405 retained).
Molecular consequence: synonymous variant.
Genome position (GRCh38, 1-based): chr17:63,942,899, G>A on the plus strand (C>T on the coding strand, the complement: SCN4A is on the minus strand). VCF-style: chr17-63942899-G-A. GRCh37 (hg19) VCF-style: chr17-62020259-G-A.
Identifiers: ClinVar variation 255854 (VCV000255854.58), dbSNP rs141215137, ClinGen allele CA8709038.